The following is an entry in ClinVar:

ClinVar aggregate classification (germline): Uncertain significance (1 of 4 stars; one submission).

Conditions:
Hereditary cancer-predisposing syndrome. Also called: Neoplastic Syndromes, Hereditary; Tumor predisposition; Hereditary neoplastic syndrome; Hereditary Cancer Syndrome. Identifiers: Orphanet 140162, MedGen C0027672, MeSH D009386, MONDO:0015356.

gnomAD v4.1: 1 of 1,614,160 alleles (0.000062%); highest among the groups gnomAD compares: South Asian, 0.0011%; no homozygotes.

Submission:

Ambry Genetics
Classification: Uncertain significance for Hereditary cancer-predisposing syndrome. Last evaluated: 2026-07-07. Review status: criteria provided, single submitter. Criteria: Ambry Variant Classification Scheme 2023. Collection method: clinical testing. Allele origin: germline.
Comment: The p.P535R variant (also known as c.1604C>G), located in coding exon 13 of the TSC1 gene, results from a C to G substitution at nucleotide position 1604. The proline at codon 535 is replaced by arginine, an amino acid with dissimilar properties. This amino acid position is conserved. In addition, this alteration is predicted to be tolerated by in silico analysis. Based on the available evidence, the clinical significance of this variant remains unclear.

NM_000368.5(TSC1):c.1604C>G (p.Pro535Arg)

Gene: TSC1 (TSC complex subunit 1; minus strand). Cytogenetic location: 9q34.13.
Variant type: single nucleotide variant.
Coding change: c.1604C>G on transcript NM_000368.5 (MANE Select); coding-DNA position 1604, C replaced by G.
Protein change: p.Pro535Arg; replaces proline 535 with arginine.
Molecular consequence: missense variant. On other transcripts: non-coding transcript variant (5).
Genome position (GRCh38, 1-based): chr9:132,905,974, G>C on the plus strand (C>G on the coding strand, the complement: TSC1 is on the minus strand). VCF-style: chr9-132905974-G-C. GRCh37 (hg19) VCF-style: chr9-135781361-G-C.
Other names: c.1601C>G, p.Pro534Arg (NM_001406604.1, NM_001406608.1, NM_001406609.1 and 6 more transcripts); c.1604C>G, p.Pro535Arg (NM_001406605.1, NM_001406606.1, NM_001406607.1 and 7 more transcripts); c.1451C>G, p.Pro484Arg (NM_001406610.1, NM_001162427.2); c.1448C>G, p.Pro483Arg (NM_001406611.1, NM_001406612.1, NM_001406613.1); c.1241C>G, p.Pro414Arg (NM_001362177.2, NM_001406614.1, NM_001406615.1 and 5 more transcripts); c.1238C>G, p.Pro413Arg (NM_001406620.1, NM_001406621.1, NM_001406622.1 and 2 more transcripts); c.653C>G, p.Pro218Arg (NM_001406626.1); c.650C>G, p.Pro217Arg (NM_001406627.1, NM_001406628.1); and 1 more; short protein forms P184R, P535R, P217R, P218R, P483R, P413R, P484R, P534R.
Identifiers: ClinVar variation 5031226 (VCV005031226.1).